The following is an entry in ClinVar:

NM_000090.4(COL3A1):c.3592G>A (p.Gly1198Ser)

Gene: COL3A1 (collagen type III alpha 1 chain; plus strand). Cytogenetic location: 2q32.2.
Variant type: single nucleotide variant.
Coding change: c.3592G>A on transcript NM_000090.4 (MANE Select); coding-DNA position 3592, G replaced by A.
Protein change: p.Gly1198Ser; replaces glycine 1198 with serine.
Molecular consequence: missense variant.
Genome position (GRCh38, 1-based): chr2:189,008,990, G>A. VCF-style: chr2-189008990-G-A. GRCh37 (hg19) VCF-style: chr2-189873716-G-A.
Other names: short protein forms G1198S.
Identifiers: ClinVar variation 2807001 (VCV002807001.3), dbSNP rs1254502705, ClinGen allele CA349846699.
Genomic context (GRCh38, chr2:189,008,990, plus strand): 5'-CCAGGCCACCCAGGGCAACCAGGCCCTCCTGGACCTCCTGGTGCCCCTGGTCCTTGCTGT[G>A]GTGGTGTTGGAGCCGCTGCCATTGCTGGGATTGGAGGTGAAAAAGCTGGCGGTTTTGCCC-3'
Protein context (NP_000081.2, residues 1188-1208): GPPGAPGPCC[Gly1198Ser]GVGAAAIAGI

ClinVar aggregate classification (germline): Uncertain significance (1 of 4 stars; one submission).

Conditions:
Ehlers-Danlos syndrome, type 4 (EDSVASC). Also called: Ehlers-Danlos Syndrome Type IV; Ehlers-Danlos syndrome vascular type; Ehlers Danlos syndrome, ecchymotic type; Ehlers Danlos syndrome, arterial type; Ehlers Danlos syndrome, Sack-Barabas type. Identifiers: Orphanet 286, MedGen C0268338, MONDO:0017314, OMIM 130050.

Allele frequency attached by ClinVar (database versions not stated): gnomAD exomes below 0.00001; TOPMed below 0.00001.
gnomAD v4.1: 1 of 1,614,152 alleles (0.000062%); highest among the groups gnomAD compares: East Asian, 0.0022%; no homozygotes.

Submission:

Labcorp Genetics (formerly Invitae), Labcorp
Classification: Uncertain significance for Ehlers-Danlos syndrome, type 4. Last evaluated: 2023-05-29. Review status: criteria provided, single submitter. Criteria: Invitae Variant Classification Sherloc (09022015). Collection method: clinical testing. Allele origin: germline.
Comment: In summary, the available evidence is currently insufficient to determine the role of this variant in disease. Therefore, it has been classified as a Variant of Uncertain Significance. Advanced modeling of protein sequence and biophysical properties (such as structural, functional, and spatial information, amino acid conservation, physicochemical variation, residue mobility, and thermodynamic stability) performed at Invitae indicates that this missense variant is not expected to disrupt COL3A1 protein function. This variant has not been reported in the literature in individuals affected with COL3A1-related conditions. This variant is present in population databases (no rsID available, gnomAD 0.006%). This sequence change replaces glycine, which is neutral and non-polar, with serine, which is neutral and polar, at codon 1198 of the COL3A1 protein (p.Gly1198Ser).